The following is an entry in ClinVar:

ClinVar aggregate classification (germline): Likely benign. Review status: criteria provided, multiple submitters, no conflicts (2 of 4 stars). 2 submissions from 2 submitters: Likely benign (2). Last evaluated 2025-09-02.

Conditions:
Catecholaminergic polymorphic ventricular tachycardia 1. Also called: VENTRICULAR TACHYCARDIA, CATECHOLAMINERGIC POLYMORPHIC, 1, WITH OR WITHOUT ATRIAL DYSFUNCTION AND/OR DILATED CARDIOMYOPATHY; RYR2-Related Catecholaminergic Polymorphic Ventricular Tachycardia; VENTRICULAR TACHYCARDIA, STRESS-INDUCED POLYMORPHIC 1. Identifiers: Orphanet 3286, MedGen C1631597, MONDO:0011484, OMIM 604772.

Allele frequency attached by ClinVar (database versions not stated): ExAC below 0.00001; gnomAD exomes below 0.00001; TOPMed below 0.00001; gnomAD 0.00001.
gnomAD v4.1: 4 of 1,312,836 alleles (0.0003%); highest among the groups gnomAD compares: Non-Finnish European, 0.00043%; no homozygotes.

Submissions (2):

Labcorp Genetics (formerly Invitae), Labcorp
Classification: Likely benign for Catecholaminergic polymorphic ventricular tachycardia 1. Last evaluated: 2025-09-02. Review status: criteria provided, single submitter. Criteria: Invitae Variant Classification Sherloc (09022015). Collection method: clinical testing. Allele origin: germline.

GeneDx
Classification: Likely benign. Last evaluated: 2017-12-07. Review status: criteria provided, single submitter. Criteria: GeneDx Variant Classification (06012015). Collection method: clinical testing. Allele origin: germline. Affected: yes.
Comment: This variant is considered likely benign or benign based on one or more of the following criteria: it is a conservative change, it occurs at a poorly conserved position in the protein, it is predicted to be benign by multiple in silico algorithms, and/or has population frequency not consistent with disease.

NM_001035.3(RYR2):c.11962+17C>G

Gene: RYR2 (ryanodine receptor 2; plus strand). Cytogenetic location: 1q43.
Variant type: single nucleotide variant.
Coding change: c.11962+17C>G on transcript NM_001035.3 (MANE Select); 17 bases into the intron after coding-DNA position 11962, C replaced by G.
Molecular consequence: intron variant.
Genome position (GRCh38, 1-based): chr1:237,781,663, C>G. VCF-style: chr1-237781663-C-G. GRCh37 (hg19) VCF-style: chr1-237944963-C-G.
Other names: c.11962+17C>G (LRG_402t1).
Identifiers: ClinVar variation 513991 (VCV000513991.46), dbSNP rs770285624, ClinGen allele CA085088.